The following is an entry in ClinVar:

ClinVar aggregate classification (germline): Uncertain significance (1 of 4 stars; one submission).

Submission:

Labcorp Genetics (formerly Invitae), Labcorp
Classification: Uncertain significance. Last evaluated: 2021-06-20. Review status: criteria provided, single submitter. Criteria: Invitae Variant Classification Sherloc (09022015). Collection method: clinical testing. Allele origin: germline.
Comment: In summary, the available evidence is currently insufficient to determine the role of this variant in disease. Therefore, it has been classified as a Variant of Uncertain Significance. Advanced modeling of protein sequence and biophysical properties (such as structural, functional, and spatial information, amino acid conservation, physicochemical variation, residue mobility, and thermodynamic stability) performed at Invitae indicates that this missense variant is not expected to disrupt FLNB protein function. This variant has not been reported in the literature in individuals with FLNB-related conditions. This variant is not present in population databases (ExAC no frequency). This sequence change replaces methionine with threonine at codon 1492 of the FLNB protein (p.Met1492Thr). The methionine residue is moderately conserved and there is a moderate physicochemical difference between methionine and threonine.

NM_001457.4(FLNB):c.4475T>C (p.Met1492Thr)

Gene: FLNB (filamin B; plus strand). Cytogenetic location: 3p14.3.
Variant type: single nucleotide variant.
Coding change: c.4475T>C on transcript NM_001457.4 (MANE Select); coding-DNA position 4475, T replaced by C.
Protein change: p.Met1492Thr; replaces methionine 1492 with threonine.
Molecular consequence: missense variant.
Genome position (GRCh38, 1-based): chr3:58,132,892, T>C. VCF-style: chr3-58132892-T-C. GRCh37 (hg19) VCF-style: chr3-58118619-T-C.
Other names: c.4568T>C, p.Met1523Thr (NM_001164317.2); c.4475T>C, p.Met1492Thr (NM_001164318.2, NM_001164319.2); short protein forms M1492T, M1523T.
Identifiers: ClinVar variation 1500424 (VCV001500424.8), dbSNP rs2107212419, ClinGen allele CA353351470.